The following is an entry in ClinVar:

NM_000088.4(COL1A1):c.689G>A (p.Gly230Glu)

Gene: COL1A1 (collagen type I alpha 1 chain; minus strand). Cytogenetic location: 17q21.33.
Variant type: single nucleotide variant.
Coding change: c.689G>A on transcript NM_000088.4 (MANE Select); coding-DNA position 689, G replaced by A.
Protein change: p.Gly230Glu; replaces glycine 230 with glutamic acid.
Molecular consequence: missense variant.
Genome position (GRCh38, 1-based): chr17:50,197,739, C>T on the plus strand (G>A on the coding strand, the complement: COL1A1 is on the minus strand). VCF-style: chr17-50197739-C-T. GRCh37 (hg19) VCF-style: chr17-48275100-C-T.
Other names: short protein forms G230E.
Identifiers: ClinVar variation 4852370 (VCV004852370.1).

ClinVar aggregate classification (germline): Likely pathogenic (1 of 4 stars; one submission).

Conditions:
Ehlers-Danlos syndrome, arthrochalasia type. Also called: ARTHROCHALASIS MULTIPLEX CONGENITA; EDS VII, MUTANT PROCOLLAGEN TYPE; EDS VIIA; Ehlers-Danlos syndrome, arthrochalasia type, 1; Ehlers-Danlos syndrome, arthrochalasis type. Identifiers: Orphanet 1899, Orphanet 99875, Orphanet 99876, MedGen C4551623, MONDO:0007525, OMIM 130060.

Submission:

MVZ Medizinische Genetik Mainz
Classification: Likely pathogenic for Ehlers-Danlos syndrome, arthrochalasia type. Last evaluated: 2026-05-13. Review status: criteria provided, single submitter. Criteria: UK Practice Guidelines For Variant Classification V4 01 2020. Collection method: clinical testing. Allele origin: germline. Inheritance: Autosomal dominant inheritance. Affected: yes. Observed: 1 variant allele.
Comment: ACMG Criteria: PM1,PM2_SUP_MOD,PP2,PP3